The following is an entry in ClinVar:

NM_005477.3(HCN4):c.3179C>T (p.Pro1060Leu)

Gene: HCN4 (hyperpolarization activated cyclic nucleotide gated potassium channel 4; minus strand). Cytogenetic location: 15q24.1.
Variant type: single nucleotide variant.
Coding change: c.3179C>T on transcript NM_005477.3 (MANE Select); coding-DNA position 3179, C replaced by T.
Protein change: p.Pro1060Leu; replaces proline 1060 with leucine.
Molecular consequence: missense variant.
Genome position (GRCh38, 1-based): chr15:73,322,914, G>A on the plus strand (C>T on the coding strand, the complement: HCN4 is on the minus strand). VCF-style: chr15-73322914-G-A. GRCh37 (hg19) VCF-style: chr15-73615255-G-A.
Other names: short protein forms P1060L.
Identifiers: ClinVar variation 1475547 (VCV001475547.8), dbSNP rs764262532, ClinGen allele CA393086060.

ClinVar aggregate classification (germline): Uncertain significance (1 of 4 stars; one submission).

Conditions:
Brugada syndrome 8 (BRGDA8). Identifiers: Orphanet 130, MedGen C2751083, MONDO:0013148, OMIM 613123.

gnomAD v4.1: 2 of 1,402,632 alleles (0.00014%); highest among the groups gnomAD compares: African/African-American, 0.0014%; no homozygotes.

Submission:

Labcorp Genetics (formerly Invitae), Labcorp
Classification: Uncertain significance for Brugada syndrome 8. Last evaluated: 2024-07-09. Review status: criteria provided, single submitter. Criteria: Invitae Variant Classification Sherloc (09022015). Collection method: clinical testing. Allele origin: germline.
Comment: This sequence change replaces proline, which is neutral and non-polar, with leucine, which is neutral and non-polar, at codon 1060 of the HCN4 protein (p.Pro1060Leu). This variant is not present in population databases (gnomAD no frequency). This variant has not been reported in the literature in individuals affected with HCN4-related conditions. ClinVar contains an entry for this variant (Variation ID: 1475547). Advanced modeling of protein sequence and biophysical properties (such as structural, functional, and spatial information, amino acid conservation, physicochemical variation, residue mobility, and thermodynamic stability) performed at Invitae indicates that this missense variant is not expected to disrupt HCN4 protein function with a negative predictive value of 95%. In summary, the available evidence is currently insufficient to determine the role of this variant in disease. Therefore, it has been classified as a Variant of Uncertain Significance.